The following is an entry in ClinVar:

NM_007194.4(CHEK2):c.987C>A (p.Tyr329Ter)

Gene: CHEK2 (checkpoint kinase 2; minus strand). Cytogenetic location: 22q12.1.
Variant type: single nucleotide variant.
Coding change: c.987C>A on transcript NM_007194.4 (MANE Select); coding-DNA position 987, C replaced by A.
Protein change: p.Tyr329Ter; replaces tyrosine 329 with a stop codon.
Molecular consequence: nonsense.
Genome position (GRCh38, 1-based): chr22:28,699,859, G>T on the plus strand (C>A on the coding strand, the complement: CHEK2 is on the minus strand). VCF-style: chr22-28699859-G-T. GRCh37 (hg19) VCF-style: chr22-29095847-G-T.
Other names: c.1116C>A, p.Tyr372Ter (NM_001005735.3); c.324C>A, p.Tyr108Ter (NM_001257387.3); c.786C>A, p.Tyr262Ter (NM_001349956.3); c.987C>A, p.Tyr329Ter (NM_145862.3); short protein forms Y108*, Y372*, Y262*, Y329*.
Identifiers: ClinVar variation 2772116 (VCV002772116.3), dbSNP rs2145842116, ClinGen allele CA411099496.
Genomic context (GRCh38, chr22:28,699,859, plus strand): 5'-AGAAAGGCAGCTGTCAAAAGAATTGAGGGCTTCTTTTACCTGCACAGCCAAGAGCATCTG[G>T]TAAAAATAGAGCTTGCAGGTAGCTTCTTTCAGGCGTTTATTCCCCACCACTTTGTCAAAC-3'

ClinVar aggregate classification (germline): Pathogenic (1 of 4 stars; one submission).

Conditions:
Familial cancer of breast. Also called: hereditary breast carcinoma; BREAST CANCER, FAMILIAL; Hereditary breast cancer. Identifiers: Orphanet 227535, MedGen C0346153, MONDO:0016419, OMIM 114480. Disease mechanism: loss of function.

Submission:

Labcorp Genetics (formerly Invitae), Labcorp
Classification: Pathogenic for Familial cancer of breast. Last evaluated: 2023-10-27. Review status: criteria provided, single submitter. Criteria: Invitae Variant Classification Sherloc (09022015). Collection method: clinical testing. Allele origin: germline.
Comment: This sequence change creates a premature translational stop signal (p.Tyr329*) in the CHEK2 gene. It is expected to result in an absent or disrupted protein product. Loss-of-function variants in CHEK2 are known to be pathogenic (PMID: 21876083, 24713400). This variant is not present in population databases (gnomAD no frequency). This variant has not been reported in the literature in individuals affected with CHEK2-related conditions. For these reasons, this variant has been classified as Pathogenic.

Literature cited by the submitters: PubMed 21876083; PubMed 24713400.